The following is an entry in ClinVar:

NM_145239.3(PRRT2):c.772G>C (p.Gly258Arg)

Genes: MVP-DT (MVP divergent transcript; minus strand), PRRT2 (proline rich transmembrane protein 2; plus strand). Cytogenetic location: 16p11.2.
Variant type: single nucleotide variant.
Coding change: c.772G>C on transcript NM_145239.3 (MANE Select); coding-DNA position 772, G replaced by C.
Protein change: p.Gly258Arg; replaces glycine 258 with arginine.
Molecular consequence: missense variant.
Genome position (GRCh38, 1-based): chr16:29,813,826, G>C. VCF-style: chr16-29813826-G-C. GRCh37 (hg19) VCF-style: chr16-29825147-G-C.
Other names: c.772G>C, p.Gly258Arg (NM_001256442.2, NM_001256443.2); short protein forms G258R.
Identifiers: ClinVar variation 589154 (VCV000589154.14), dbSNP rs996840274, ClinGen allele CA280410301.

ClinVar aggregate classification (germline): Conflicting classifications of pathogenicity. Review status: criteria provided, conflicting classifications (1 of 4 stars). 3 submissions from 3 submitters: Uncertain significance (2); Likely benign (1). Last evaluated 2025-04-17.

Conditions:
Inborn genetic diseases. Identifiers: MedGen C0950123, MeSH D030342.
Episodic kinesigenic dyskinesia (EKD). Also called: Paroxysmal kinesigenic dyskinesia. Identifiers: Orphanet 98809, MedGen C1868682, MONDO:0044202.

Submissions (3):

Labcorp Genetics (formerly Invitae), Labcorp
Classification: Uncertain significance for Episodic kinesigenic dyskinesia. Last evaluated: 2025-04-17. Review status: criteria provided, single submitter. Criteria: Invitae Variant Classification Sherloc (09022015). Collection method: clinical testing. Allele origin: germline.
Comment: This sequence change replaces glycine, which is neutral and non-polar, with arginine, which is basic and polar, at codon 258 of the PRRT2 protein (p.Gly258Arg). This variant is not present in population databases (gnomAD no frequency). This variant has not been reported in the literature in individuals affected with PRRT2-related conditions. ClinVar contains an entry for this variant (Variation ID: 589154). Invitae Evidence Modeling of protein sequence and biophysical properties (such as structural, functional, and spatial information, amino acid conservation, physicochemical variation, residue mobility, and thermodynamic stability) indicates that this missense variant is not expected to disrupt PRRT2 protein function with a negative predictive value of 95%. In summary, the available evidence is currently insufficient to determine the role of this variant in disease. Therefore, it has been classified as a Variant of Uncertain Significance.

Blueprint Genetics
Classification: Uncertain significance. Last evaluated: 2024-10-21. Review status: criteria provided, single submitter. Criteria: ACMG Guidelines, 2015. Collection method: clinical testing. Allele origin: germline.

Ambry Genetics
Classification: Likely benign for Inborn genetic diseases. Last evaluated: 2017-05-28. Review status: criteria provided, single submitter. Criteria: Ambry Variant Classification Scheme 2023. Collection method: clinical testing. Allele origin: germline.